The following is an entry in ClinVar:

ClinVar aggregate classification (germline): Uncertain significance (1 of 4 stars; one submission).

Conditions:
Benign neonatal seizures. Also called: Benign familial neonatal epilepsy; Benign neonatal familial convulsions; Benign familial neonatal seizures; Convulsions benign familial neonatal dominant form; Autosomal dominant form of benign neonatal seizures. Identifiers: Orphanet 1949, MedGen C0220669, MONDO:0016027.

Submission:

Labcorp Genetics (formerly Invitae), Labcorp
Classification: Uncertain significance for Benign neonatal seizures. Last evaluated: 2024-06-20. Review status: criteria provided, single submitter. Criteria: Invitae Variant Classification Sherloc (09022015). Collection method: clinical testing. Allele origin: germline.
Comment: This sequence change replaces alanine, which is neutral and non-polar, with threonine, which is neutral and polar, at codon 33 of the KCNQ3 protein (p.Ala33Thr). This variant is not present in population databases (gnomAD no frequency). This variant has not been reported in the literature in individuals affected with KCNQ3-related conditions. Advanced modeling of protein sequence and biophysical properties (such as structural, functional, and spatial information, amino acid conservation, physicochemical variation, residue mobility, and thermodynamic stability) performed at Invitae indicates that this missense variant is not expected to disrupt KCNQ3 protein function with a negative predictive value of 95%. In summary, the available evidence is currently insufficient to determine the role of this variant in disease. Therefore, it has been classified as a Variant of Uncertain Significance.

NM_004519.4(KCNQ3):c.97G>A (p.Ala33Thr)

Gene: KCNQ3 (potassium voltage-gated channel subfamily Q member 3; minus strand). Cytogenetic location: 8q24.22.
Variant type: single nucleotide variant.
Coding change: c.97G>A on transcript NM_004519.4 (MANE Select); coding-DNA position 97, G replaced by A.
Protein change: p.Ala33Thr; replaces alanine 33 with threonine.
Molecular consequence: missense variant.
Genome position (GRCh38, 1-based): chr8:132,480,436, C>T on the plus strand (G>A on the coding strand, the complement: KCNQ3 is on the minus strand). VCF-style: chr8-132480436-C-T. GRCh37 (hg19) VCF-style: chr8-133492683-C-T.
Other names: short protein forms A33T.
Identifiers: ClinVar variation 3623448 (VCV003623448.2).